The following is an entry in ClinVar:

ClinVar aggregate classification (germline): Pathogenic/Likely pathogenic. Review status: criteria provided, multiple submitters, no conflicts (2 of 4 stars). 2 submissions from 2 submitters: Pathogenic (1); Likely pathogenic (1). Last evaluated 2025-12-28.

Conditions:
Pituitary adenoma 5, multiple types. Identifiers: MedGen C4539685, MONDO:0054601, OMIM 617540.

Submissions (2):

Labcorp Genetics (formerly Invitae), Labcorp
Classification: Pathogenic. Last evaluated: 2025-12-28. Review status: criteria provided, single submitter. Criteria: Invitae Variant Classification Sherloc (09022015). Collection method: clinical testing. Allele origin: germline.
Comment: This sequence change creates a premature translational stop signal (p.Ile371Argfs*11) in the CDH23 gene. It is expected to result in an absent or disrupted protein product. Loss-of-function variants in CDH23 are known to be pathogenic (PMID: 11138009, 21940737). This variant is present in population databases (rs771715532, gnomAD 0.006%). This variant has not been reported in the literature in individuals affected with CDH23-related conditions. ClinVar contains an entry for this variant (Variation ID: 3241042). For these reasons, this variant has been classified as Pathogenic.

Baylor Genetics
Classification: Likely pathogenic for Pituitary adenoma 5, multiple types. Last evaluated: 2024-03-08. Review status: criteria provided, single submitter. Criteria: ACMG Guidelines, 2015. Collection method: clinical testing. Allele origin: unknown.

Literature cited by the submitters: PubMed 11138009 (cited by Labcorp Genetics (formerly Invitae), Labcorp); PubMed 21940737 (cited by Labcorp Genetics (formerly Invitae), Labcorp).

NM_022124.6(CDH23):c.1112_1115del (p.Ile371fs)

Gene: CDH23 (cadherin related 23; plus strand). Cytogenetic location: 10q22.1.
Variant type: Deletion.
Coding change: c.1112_1115del on transcript NM_022124.6 (MANE Select); coding-DNA positions 1112 to 1115, 4 bases deleted (TCCA; older notation c.1112_1115delTCCA).
Protein change: p.Ile371fs; shifts the reading frame from isoleucine 371.
Molecular consequence: frameshift variant.
Genome position (GRCh38, 1-based): chr10:71,617,371-71,617,374, TCCA deleted; deleting any 4 consecutive bases within chr10:71,617,369-71,617,374 gives the same sequence; the c. name uses the placement nearest the transcript's 3' end. VCF-style (leftmost placement, unchanged base first): chr10-71617368-TCATC-T. GRCh37 (hg19) VCF-style: chr10-73377125-TCATC-T.
Other names: c.1112_1115del, p.Ile371fs (NM_001171930.2, NM_001171931.2, NM_001171932.2 and 1 more transcripts); short protein forms I371fs.
Identifiers: ClinVar variation 3241042 (VCV003241042.2), dbSNP rs771715532.